The following is an entry in ClinVar:

NM_014384.3(ACAD8):c.109C>T (p.Pro37Ser)

Gene: ACAD8 (acyl-CoA dehydrogenase family member 8; plus strand). Cytogenetic location: 11q25.
Variant type: single nucleotide variant.
Coding change: c.109C>T on transcript NM_014384.3 (MANE Select); coding-DNA position 109, C replaced by T.
Protein change: p.Pro37Ser; replaces proline 37 with serine.
Molecular consequence: missense variant.
Genome position (GRCh38, 1-based): chr11:134,253,709, C>T. VCF-style: chr11-134253709-C-T. GRCh37 (hg19) VCF-style: chr11-134123603-C-T.
Other names: short protein forms P37S.
Identifiers: ClinVar variation 1989824 (VCV001989824.4), dbSNP rs1477692239, ClinGen allele CA383512087.

ClinVar aggregate classification (germline): Uncertain significance (1 of 4 stars; one submission).

Conditions:
Deficiency of isobutyryl-CoA dehydrogenase. Also called: ACAD8 DEFICIENCY; ACYL-CoA DEHYDROGENASE FAMILY, MEMBER 8, DEFICIENCY OF; IBD DEFICIENCY. Identifiers: Orphanet 79159, MedGen C1969809, MONDO:0012648, OMIM 611283.

Allele frequency attached by ClinVar (database versions not stated): gnomAD 0.00001; TOPMed 0.00001.
gnomAD v4.1: 3 of 1,594,638 alleles (0.00019%); highest among the groups gnomAD compares: African/African-American, 0.0027%; no homozygotes.

Submission:

Labcorp Genetics (formerly Invitae), Labcorp
Classification: Uncertain significance for Deficiency of isobutyryl-CoA dehydrogenase. Last evaluated: 2022-08-19. Review status: criteria provided, single submitter. Criteria: Invitae Variant Classification Sherloc (09022015). Collection method: clinical testing. Allele origin: germline.
Comment: This sequence change replaces proline, which is neutral and non-polar, with serine, which is neutral and polar, at codon 37 of the ACAD8 protein (p.Pro37Ser). This variant is not present in population databases (gnomAD no frequency). This variant has not been reported in the literature in individuals affected with ACAD8-related conditions. Algorithms developed to predict the effect of missense changes on protein structure and function are either unavailable or do not agree on the potential impact of this missense change (SIFT: "Deleterious"; PolyPhen-2: "Benign"; Align-GVGD: "Class C0"). In summary, the available evidence is currently insufficient to determine the role of this variant in disease. Therefore, it has been classified as a Variant of Uncertain Significance.